The following is an entry in ClinVar:

NM_001378778.1(MPDZ):c.2931+1G>A

Gene: MPDZ (multiple PDZ domain crumbs cell polarity complex component; minus strand). Cytogenetic location: 9p23.
Variant type: single nucleotide variant.
Coding change: c.2931+1G>A on transcript NM_001378778.1 (MANE Select); the canonical splice donor site of the intron after coding-DNA position 2931, G replaced by A.
Molecular consequence: splice donor variant.
Genome position (GRCh38, 1-based): chr9:13,176,135, C>T on the plus strand (G>A on the coding strand, the complement: MPDZ is on the minus strand). VCF-style: chr9-13176135-C-T. GRCh37 (hg19) VCF-style: chr9-13176134-C-T.
Other names: c.2931+1G>A (NM_001375425.1, NM_001375420.1, NM_001375419.1 and 14 more transcripts).
Identifiers: ClinVar variation 2990595 (VCV002990595.3), dbSNP rs2493075833, ClinGen allele CA372934929.

ClinVar aggregate classification (germline): Likely pathogenic (1 of 4 stars; one submission).

Allele frequency attached by ClinVar (database versions not stated): gnomAD exomes below 0.00001.

Submission:

Labcorp Genetics (formerly Invitae), Labcorp
Classification: Likely pathogenic. Last evaluated: 2023-11-24. Review status: criteria provided, single submitter. Criteria: Invitae Variant Classification Sherloc (09022015). Collection method: clinical testing. Allele origin: germline.
Comment: This sequence change affects a donor splice site in intron 20 of the MPDZ gene. It is expected to disrupt RNA splicing. Variants that disrupt the donor or acceptor splice site typically lead to a loss of protein function (PMID: 16199547), and loss-of-function variants in MPDZ are known to be pathogenic (PMID: 23240096, 28556411). This variant is not present in population databases (gnomAD no frequency). This variant has not been reported in the literature in individuals affected with MPDZ-related conditions. Algorithms developed to predict the effect of sequence changes on RNA splicing suggest that this variant may disrupt the consensus splice site. In summary, the currently available evidence indicates that the variant is pathogenic, but additional data are needed to prove that conclusively. Therefore, this variant has been classified as Likely Pathogenic.

Literature cited by the submitters: PubMed 16199547; PubMed 23240096; PubMed 28556411.